The following is an entry in ClinVar:

NM_001378183.1(PIEZO2):c.8576G>A (p.Trp2859Ter)

Gene: PIEZO2 (piezo type mechanosensitive ion channel component 2; minus strand). Cytogenetic location: 18p11.22.
Variant type: single nucleotide variant.
Coding change: c.8576G>A on transcript NM_001378183.1 (MANE Select); coding-DNA position 8576, G replaced by A.
Protein change: p.Trp2859Ter; replaces tryptophan 2859 with a stop codon.
Molecular consequence: nonsense.
Genome position (GRCh38, 1-based): chr18:10,671,549, C>T on the plus strand (G>A on the coding strand, the complement: PIEZO2 is on the minus strand). VCF-style: chr18-10671549-C-T. GRCh37 (hg19) VCF-style: chr18-10671546-C-T.
Other names: c.8312G>A, p.Trp2771Ter (NM_001410871.1); c.8237G>A, p.Trp2746Ter (NM_022068.4); short protein forms W2771*, W2746*, W2859*.
Identifiers: ClinVar variation 3393840 (VCV003393840.2).

ClinVar aggregate classification (germline): Pathogenic/Likely pathogenic. Review status: criteria provided, multiple submitters, no conflicts (2 of 4 stars). 2 submissions from 2 submitters: Pathogenic (1); Likely pathogenic (1). Last evaluated 2024-07-03.

Conditions:
PIEZO2-related disorder. Also called: PIEZO2-related disorders; PIEZO2-related condition.

Submissions (2):

GeneDx
Classification: Pathogenic. Last evaluated: 2024-07-03. Review status: criteria provided, single submitter. Criteria: GeneDx Variant Classification Process June 2021. Collection method: clinical testing. Allele origin: germline. Affected: yes.
Comment: Nonsense variant predicted to result in protein truncation, as the last 7 amino acids are lost, and other truncating variants have been reported downstream in HGMD; Not observed at significant frequency in large population cohorts (gnomAD); This variant is associated with the following publications: (PMID: 26259784, 36588752)

Blueprint Genetics
Classification: Likely pathogenic for PIEZO2-related disorders. Last evaluated: 2020-01-31. Review status: criteria provided, single submitter. Criteria: ACMG Guidelines, 2015. Collection method: clinical testing. Allele origin: germline. Affected: yes. Observed: 1 variant allele.